The following is an entry in ClinVar:

ClinVar aggregate classification (germline): Uncertain significance. Review status: criteria provided, multiple submitters, no conflicts (2 of 4 stars). 3 submissions from 3 submitters: Uncertain significance (3). Last evaluated 2024-10-11.

Conditions:
Neurodevelopmental disorder with microcephaly, seizures, and cortical atrophy. Identifiers: MedGen C4540493, MONDO:0060621, OMIM 617802.
Inborn genetic diseases. Identifiers: MedGen C0950123, MeSH D030342.

Allele frequency attached by ClinVar (database versions not stated): ESP Exome Variant Server 0.00024; gnomAD 0.00028 and 0.00029; ExAC 0.00031; gnomAD exomes 0.00036; TOPMed 0.00041.
gnomAD v4.1: 583 of 1,612,084 alleles (0.036%); highest among the groups gnomAD compares: Non-Finnish European, 0.046%; no homozygotes.

Submissions (3):

Blueprint Genetics
Classification: Uncertain significance. Last evaluated: 2024-10-11. Review status: criteria provided, single submitter. Criteria: ACMG Guidelines, 2015. Collection method: clinical testing. Allele origin: germline.

Baylor Genetics
Classification: Uncertain significance for Neurodevelopmental disorder with microcephaly, seizures, and cortical atrophy. Last evaluated: 2023-04-03. Review status: criteria provided, single submitter. Criteria: ACMG Guidelines, 2015. Collection method: clinical testing. Allele origin: unknown.

Ambry Genetics
Classification: Uncertain significance for Inborn genetic diseases. Last evaluated: 2022-03-24. Review status: criteria provided, single submitter. Criteria: Ambry Variant Classification Scheme 2023. Collection method: clinical testing. Allele origin: germline.
Comment: The c.3386G>A (p.R1129Q) alteration is located in exon 28 (coding exon 27) of the VARS gene. This alteration results from a G to A substitution at nucleotide position 3386, causing the arginine (R) at amino acid position 1129 to be replaced by a glutamine (Q). Based on data from the Genome Aggregation Database (gnomAD) database, the VARS c.3386G>A alteration was observed in 0.03% (94/275388) of total alleles studied, with a frequency of 0.06% (79/124722) in the European (non-Finnish) subpopulation. This amino acid position is well conserved in available vertebrate species. The p.R1129Q alteration is predicted to be tolerated by in silico analysis. Based on insufficient or conflicting evidence, the clinical significance of this alteration remains unclear.

NM_006295.3(VARS1):c.3386G>A (p.Arg1129Gln)

Gene: VARS1 (valyl-tRNA synthetase 1; minus strand). Cytogenetic location: 6p21.33.
Variant type: single nucleotide variant.
Coding change: c.3386G>A on transcript NM_006295.3 (MANE Select); coding-DNA position 3386, G replaced by A.
Protein change: p.Arg1129Gln; replaces arginine 1129 with glutamine.
Molecular consequence: missense variant.
Genome position (GRCh38, 1-based): chr6:31,779,439, C>T on the plus strand (G>A on the coding strand, the complement: VARS1 is on the minus strand). VCF-style: chr6-31779439-C-T. GRCh37 (hg19) VCF-style: chr6-31747216-C-T.
Other names: short protein forms R1129Q.
Identifiers: ClinVar variation 1031625 (VCV001031625.5), dbSNP rs150145769, ClinGen allele CA3722687.